The following is an entry in ClinVar:

NM_152594.3(SPRED1):c.319G>A (p.Ala107Thr)

Gene: SPRED1 (sprouty related EVH1 domain containing 1; plus strand). Cytogenetic location: 15q14.
Variant type: single nucleotide variant.
Coding change: c.319G>A on transcript NM_152594.3 (MANE Select); coding-DNA position 319, G replaced by A.
Protein change: p.Ala107Thr; replaces alanine 107 with threonine.
Molecular consequence: missense variant.
Genome position (GRCh38, 1-based): chr15:38,322,352, G>A. VCF-style: chr15-38322352-G-A. GRCh37 (hg19) VCF-style: chr15-38614553-G-A.
Other names: short protein forms A107T.
Identifiers: ClinVar variation 2199625 (VCV002199625.4), dbSNP rs1166410178, ClinGen allele CA391932140.

ClinVar aggregate classification (germline): Uncertain significance (1 of 4 stars; one submission).

Conditions:
Legius syndrome. Identifiers: Orphanet 137605, MedGen C1969623, MONDO:0012669, OMIM 611431. Disease mechanism: loss of function.

Submission:

Labcorp Genetics (formerly Invitae), Labcorp
Classification: Uncertain significance for Legius syndrome. Last evaluated: 2022-03-05. Review status: criteria provided, single submitter. Criteria: Invitae Variant Classification Sherloc (09022015). Collection method: clinical testing. Allele origin: germline.
Comment: In summary, the available evidence is currently insufficient to determine the role of this variant in disease. Therefore, it has been classified as a Variant of Uncertain Significance. Algorithms developed to predict the effect of missense changes on protein structure and function (SIFT, PolyPhen-2, Align-GVGD) all suggest that this variant is likely to be disruptive. This variant has not been reported in the literature in individuals affected with SPRED1-related conditions. This variant is not present in population databases (gnomAD no frequency). This sequence change replaces alanine, which is neutral and non-polar, with threonine, which is neutral and polar, at codon 107 of the SPRED1 protein (p.Ala107Thr).